The following is an entry in ClinVar:

ClinVar aggregate classification (germline): Likely benign (0 of 4 stars; one submission).

Conditions:
PTPN4-related disorder. Also called: PTPN4-Related Disorders; PTPN4-related condition.

Submission:

PreventionGenetics, part of Exact Sciences
Classification: Likely benign for PTPN4-related condition. Last evaluated: 2020-05-21. Review status: no assertion criteria provided. Collection method: clinical testing. Allele origin: germline.
Comment: This variant is classified as likely benign based on ACMG/AMP sequence variant interpretation guidelines (Richards et al. 2015 PMID: 25741868, with internal and published modifications).

NM_002830.4(PTPN4):c.1814-4_1814-3dup

Gene: PTPN4 (protein tyrosine phosphatase non-receptor type 4; plus strand). Cytogenetic location: 2q14.2.
Variant type: Duplication.
Coding change: c.1814-4_1814-3dup on transcript NM_002830.4 (MANE Select); 4 bases into the intron before coding-DNA position 1814 through 3 bases into the intron before coding-DNA position 1814, 2 bases duplicated (TT; older notation c.1814-4_1814-3dupTT).
Molecular consequence: intron variant.
Genome position (GRCh38, 1-based): chr2:119,955,153-119,955,154, TT duplicated; duplicating any 2 consecutive bases within chr2:119,955,143-119,955,154 gives the same sequence; the c. name uses the placement nearest the transcript's 3' end. VCF-style (leftmost placement, unchanged base first): chr2-119955142-A-ATT. GRCh37 (hg19) VCF-style: chr2-120712718-A-ATT.
Identifiers: ClinVar variation 3043064 (VCV003043064.2), dbSNP rs759764897, ClinGen allele CA1849677.